The following is an entry in ClinVar:

NM_006929.5(SKIC2):c.1445C>T (p.Thr482Ile)

Gene: SKIC2 (SKI2 subunit of superkiller complex; plus strand). Cytogenetic location: 6p21.33.
Variant type: single nucleotide variant.
Coding change: c.1445C>T on transcript NM_006929.5 (MANE Select); coding-DNA position 1445, C replaced by T.
Protein change: p.Thr482Ile; replaces threonine 482 with isoleucine.
Molecular consequence: missense variant.
Genome position (GRCh38, 1-based): chr6:31,963,454, C>T. VCF-style: chr6-31963454-C-T. GRCh37 (hg19) VCF-style: chr6-31931231-C-T.
Other names: short protein forms T482I.
Identifiers: ClinVar variation 4165735 (VCV004165735.2).

ClinVar aggregate classification (germline): Uncertain significance. Review status: criteria provided, multiple submitters, no conflicts (2 of 4 stars). 2 submissions from 2 submitters: Uncertain significance (2). Last evaluated 2025-10-03.

Conditions:
Inborn genetic diseases. Identifiers: MedGen C0950123, MeSH D030342.

gnomAD v4.1: 11 of 1,611,108 alleles (0.00068%); highest among the groups gnomAD compares: Admixed American, 0.01%; no homozygotes.

Submissions (2):

Labcorp Genetics (formerly Invitae), Labcorp
Classification: Uncertain significance. Last evaluated: 2025-10-03. Review status: criteria provided, single submitter. Criteria: Invitae Variant Classification Sherloc (09022015). Collection method: clinical testing. Allele origin: germline.
Comment: This sequence change replaces threonine, which is neutral and polar, with isoleucine, which is neutral and non-polar, at codon 482 of the SKIV2L protein (p.Thr482Ile). This variant is present in population databases (no rsID available, gnomAD 0.01%). This variant has not been reported in the literature in individuals affected with SKIV2L-related conditions. An algorithm developed to predict the effect of missense changes on protein structure and function (PolyPhen-2) suggests that this variant is likely to be tolerated. In summary, the available evidence is currently insufficient to determine the role of this variant in disease. Therefore, it has been classified as a Variant of Uncertain Significance.

Ambry Genetics
Classification: Uncertain significance for Inborn genetic diseases. Last evaluated: 2025-06-16. Review status: criteria provided, single submitter. Criteria: Ambry Variant Classification Scheme 2023. Collection method: clinical testing. Allele origin: germline.